The following is an entry in ClinVar:

NM_002878.4(RAD51D):c.263+1518C>G

Genes: RAD51D (RAD51 paralog D; minus strand), RAD51L3-RFFL (RAD51L3-RFFL readthrough; minus strand). Cytogenetic location: 17q12.
Variant type: single nucleotide variant.
Coding change: c.263+1518C>G on transcript NM_002878.4 (MANE Select); 1518 bases into the intron after coding-DNA position 263, C replaced by G.
Molecular consequence: intron variant. On other transcripts: missense variant (1).
Genome position (GRCh38, 1-based): chr17:35,116,983, G>C on the plus strand (C>G on the coding strand, the complement: RAD51D is on the minus strand). VCF-style: chr17-35116983-G-C. GRCh37 (hg19) VCF-style: chr17-33444002-G-C.
Other names: c.199C>G, p.Pro67Ala (NM_001142571.2); c.144+2128C>G (NM_133629.3); short protein forms P67A.
Identifiers: ClinVar variation 5027844 (VCV005027844.1).

ClinVar aggregate classification (germline): Uncertain significance (1 of 4 stars; one submission).

Conditions:
Hereditary cancer-predisposing syndrome. Also called: Neoplastic Syndromes, Hereditary; Tumor predisposition; Hereditary neoplastic syndrome; Hereditary Cancer Syndrome. Identifiers: Orphanet 140162, MedGen C0027672, MeSH D009386, MONDO:0015356.

Submission:

Ambry Genetics
Classification: Uncertain significance for Hereditary cancer-predisposing syndrome. Last evaluated: 2026-07-07. Review status: criteria provided, single submitter. Criteria: Ambry Variant Classification Scheme 2023. Collection method: clinical testing. Allele origin: germline.
Comment: The p.P67A variant (also known as c.199C>G), located in coding exon 3 of the RAD51D gene, results from a C to G substitution at nucleotide position 199. The proline at codon 67 is replaced by alanine, an amino acid with highly similar properties. This amino acid position is conserved. In addition, this alteration is predicted to be tolerated by in silico analysis. Based on the available evidence, the clinical significance of this variant remains unclear.